The following is an entry in ClinVar:

NM_015978.3(TNNI3K):c.1409G>C (p.Gly470Ala)

Genes: FPGT-TNNI3K (FPGT-TNNI3K readthrough; plus strand), TNNI3K (TNNI3 interacting kinase; plus strand). Cytogenetic location: 1p31.1.
Variant type: single nucleotide variant.
Coding change: c.1409G>C on transcript NM_015978.3 (MANE Select); coding-DNA position 1409, G replaced by C.
Protein change: p.Gly470Ala; replaces glycine 470 with alanine.
Molecular consequence: missense variant.
Genome position (GRCh38, 1-based): chr1:74,369,109, G>C. VCF-style: chr1-74369109-G-C. GRCh37 (hg19) VCF-style: chr1-74834793-G-C.
Other names: c.1712G>C, p.Gly571Ala (NM_001112808.3, NM_001199327.2); short protein forms G470A, G571A.
Identifiers: ClinVar variation 4760594 (VCV004760594.2).

ClinVar aggregate classification (germline): Uncertain significance. Review status: criteria provided, multiple submitters, no conflicts (2 of 4 stars). 2 submissions from 2 submitters: Uncertain significance (2). Last evaluated 2025-05-07.

Submissions (2):

Labcorp Genetics (formerly Invitae), Labcorp
Classification: Uncertain significance. Last evaluated: 2025-05-07. Review status: criteria provided, single submitter. Criteria: Invitae Variant Classification Sherloc (09022015). Collection method: clinical testing. Allele origin: germline.
Comment: This sequence change replaces glycine, which is neutral and non-polar, with alanine, which is neutral and non-polar, at codon 470 of the TNNI3K protein (p.Gly470Ala). This variant is not present in population databases (gnomAD no frequency). This variant has not been reported in the literature in individuals affected with TNNI3K-related conditions. Invitae Evidence Modeling of protein sequence and biophysical properties (such as structural, functional, and spatial information, amino acid conservation, physicochemical variation, residue mobility, and thermodynamic stability) indicates that this missense variant is expected to disrupt TNNI3K protein function with a positive predictive value of 80%. In summary, the available evidence is currently insufficient to determine the role of this variant in disease. Therefore, it has been classified as a Variant of Uncertain Significance.

Blueprint Genetics
Classification: Uncertain significance. Last evaluated: 2018-12-19. Review status: criteria provided, single submitter. Criteria: ACMG Guidelines, 2015. Collection method: clinical testing. Allele origin: germline.